The following is an entry in ClinVar:

NM_002087.4(GRN):c.933+5C>G

Gene: GRN (granulin precursor; plus strand). Cytogenetic location: 17q21.31.
Variant type: single nucleotide variant.
Coding change: c.933+5C>G on transcript NM_002087.4 (MANE Select); 5 bases into the intron after coding-DNA position 933, C replaced by G.
Molecular consequence: intron variant.
Genome position (GRCh38, 1-based): chr17:44,351,465, C>G. VCF-style: chr17-44351465-C-G. GRCh37 (hg19) VCF-style: chr17-42428833-C-G.
Other names: c.933+5C>G (NM_002087.3).
Identifiers: ClinVar variation 2937028 (VCV002937028.4), dbSNP rs772281121, ClinGen allele CA8602061.

ClinVar aggregate classification (germline): Conflicting classifications of pathogenicity. Review status: criteria provided, conflicting classifications (1 of 4 stars). 2 submissions from 2 submitters: Uncertain significance (1); Likely benign (1). Last evaluated 2025-10-06.

Conditions:
GRN-related frontotemporal lobar degeneration with Tdp43 inclusions (FTD2). Also called: FRONTOTEMPORAL DEMENTIA WITH TDP43 INCLUSIONS, GRN-RELATED; GRN Frontotemporal Dementia; DEMENTIA, HEREDITARY DYSPHASIC DISINHIBITION; FRONTOTEMPORAL LOBAR DEGENERATION WITH UBIQUITIN-POSITIVE INCLUSIONS; FTLD-TDP, GRN-RELATED. Identifiers: Orphanet 100070, Orphanet 282, MedGen C1843792, MONDO:0011842, OMIM 607485. Disease mechanism: loss of function.
Neuronal ceroid lipofuscinosis 11. Also called: GRN-Related Neuronal Ceroid-Lipofuscinosis. Identifiers: Orphanet 314629, Orphanet 79262, MedGen C3539123, MONDO:0013866, OMIM 614706.
GRN-related disorder. Also called: GRN-related condition; GRN-related disorders.

Allele frequency attached by ClinVar (database versions not stated): ExAC 0.00001; gnomAD 0.00002; TOPMed 0.00002.
gnomAD v4.1: 7 of 1,612,274 alleles (0.00043%); highest among the groups gnomAD compares: Non-Finnish European, 0.00051%; no homozygotes.

Submissions (2):

PreventionGenetics, part of Exact Sciences
Classification: Likely benign for GRN-related condition. Last evaluated: 2025-10-06. Review status: criteria provided, single submitter. Criteria: ACMG Guidelines, 2015. Collection method: clinical testing. Allele origin: germline.
Comment: This variant is classified as likely benign based on ACMG/AMP sequence variant interpretation guidelines (Richards et al. 2015 PMID: 25741868, with internal and published modifications).

Labcorp Genetics (formerly Invitae), Labcorp
Classification: Uncertain significance for Neuronal ceroid lipofuscinosis 11; GRN-related frontotemporal lobar degeneration with Tdp43 inclusions. Last evaluated: 2023-12-22. Review status: criteria provided, single submitter. Criteria: Invitae Variant Classification Sherloc (09022015). Collection method: clinical testing. Allele origin: germline.
Comment: This sequence change falls in intron 9 of the GRN gene. It does not directly change the encoded amino acid sequence of the GRN protein. It affects a nucleotide within the consensus splice site. This variant is present in population databases (rs772281121, gnomAD 0.002%). This variant has not been reported in the literature in individuals affected with GRN-related conditions. Variants that disrupt the consensus splice site are a relatively common cause of aberrant splicing (PMID: 17576681, 9536098). Algorithms developed to predict the effect of sequence changes on RNA splicing suggest that this variant is not likely to affect RNA splicing. In summary, the available evidence is currently insufficient to determine the role of this variant in disease. Therefore, it has been classified as a Variant of Uncertain Significance.

Literature cited by the submitters: PubMed 17576681 (cited by Labcorp Genetics (formerly Invitae), Labcorp); PubMed 9536098 (cited by Labcorp Genetics (formerly Invitae), Labcorp).